The following is an entry in ClinVar:

NM_002661.5(PLCG2):c.2061G>T (p.Arg687Ser)

Gene: PLCG2 (phospholipase C gamma 2; plus strand). Cytogenetic location: 16q23.3.
Variant type: single nucleotide variant.
Coding change: c.2061G>T on transcript NM_002661.5 (MANE Select); coding-DNA position 2061, G replaced by T.
Protein change: p.Arg687Ser; replaces arginine 687 with serine.
Molecular consequence: missense variant.
Genome position (GRCh38, 1-based): chr16:81,919,490, G>T. VCF-style: chr16-81919490-G-T. GRCh37 (hg19) VCF-style: chr16-81953095-G-T.
Other names: c.2061G>T, p.Arg687Ser (NM_001425749.1, NM_001425750.1, NM_001425751.1); short protein forms R687S.
Identifiers: ClinVar variation 3704475 (VCV003704475.2).
Genomic context (GRCh38, chr16:81,919,490, plus strand): 5'-ATTGTTTGGCCACCAGGATCTTGGCATGTCAACCCTGTGTTCTTCCTGCTCCAGGGCTAG[G>T]GGCAAGGTAAAGCATTGTCGCATCAACCGGGACGGCCGGCACTTTGTGCTGGGGACCTCC-3'
Protein context (NP_002652.2, residues 677-697): SDSYAITFRA[Arg687Ser]GKVKHCRINR

ClinVar aggregate classification (germline): Uncertain significance (1 of 4 stars; one submission).

Conditions:
Familial cold autoinflammatory syndrome 3 (FCAS3). Also called: FAMILIAL ATYPICAL COLD URTICARIA; ANTIBODY DEFICIENCY AND IMMUNE DYSREGULATION, PLCG2-ASSOCIATED. Identifiers: Orphanet 300359, MedGen C3280914, MONDO:0013766, OMIM 614468.

gnomAD v4.1: 4 of 1,613,488 alleles (0.00025%); highest among the groups gnomAD compares: African/African-American, 0.0027%; no homozygotes.

Submission:

Labcorp Genetics (formerly Invitae), Labcorp
Classification: Uncertain significance for Familial cold autoinflammatory syndrome 3. Last evaluated: 2024-09-11. Review status: criteria provided, single submitter. Criteria: Invitae Variant Classification Sherloc (09022015). Collection method: clinical testing. Allele origin: germline.
Comment: This sequence change replaces arginine, which is basic and polar, with serine, which is neutral and polar, at codon 687 of the PLCG2 protein (p.Arg687Ser). This variant is not present in population databases (gnomAD no frequency). This missense change has been observed in individual(s) with PLCG2-related conditions (PMID: 29590070). An algorithm developed to predict the effect of missense changes on protein structure and function (PolyPhen-2) suggests that this variant is likely to be tolerated. In summary, the available evidence is currently insufficient to determine the role of this variant in disease. Therefore, it has been classified as a Variant of Uncertain Significance.

Literature cited by the submitters: PubMed 29590070.